The following is an entry in ClinVar:

ClinVar aggregate classification (germline): Pathogenic (1 of 4 stars; one submission).

Conditions:
Osteogenesis imperfecta type I (OI1). Also called: OI, TYPE I; OSTEOGENESIS IMPERFECTA TARDA; OSTEOGENESIS IMPERFECTA WITH BLUE SCLERAE; Lobstein's Disease; Osteogenesis imperfecta type 1; Lobstein disease. Identifiers: Orphanet 216796, Orphanet 666, MedGen C0023931, MONDO:0008146, OMIM 166200. Disease mechanism: loss of function.

Submission:

Labcorp Genetics (formerly Invitae), Labcorp
Classification: Pathogenic for Osteogenesis imperfecta type I. Last evaluated: 2019-12-14. Review status: criteria provided, single submitter. Criteria: Invitae Variant Classification Sherloc (09022015). Collection method: clinical testing. Allele origin: germline.
Comment: For these reasons, this variant has been classified as Pathogenic. This sequence change replaces glycine with alanine at codon 485 of the COL1A1 protein (p.Gly485Ala). The glycine residue is highly conserved and there is a small physicochemical difference between glycine and alanine. This variant is not present in population databases (ExAC no frequency). This variant has been observed in individual(s) with COL1A1-related conditions (PMID: 30614853, Invitae). Glycine residues within the Gly-Xaa-Yaa repeats of the triple helix domain are required for the structure and stability of fibrillar collagens (PMID: 7695699, 8218237, 19344236). In COL1A1, variants affecting these glycine residues are significantly enriched in individuals with disease (PMID: 9016532, 17078022) compared to the general population (ExAC).

Literature cited by the submitters: PubMed 30614853; PubMed 7695699; PubMed 8218237; PubMed 19344236; PubMed 9016532; PubMed 17078022.

NM_000088.4(COL1A1):c.1454G>C (p.Gly485Ala)

Gene: COL1A1 (collagen type I alpha 1 chain; minus strand). Cytogenetic location: 17q21.33.
Variant type: single nucleotide variant.
Coding change: c.1454G>C on transcript NM_000088.4 (MANE Select); coding-DNA position 1454, G replaced by C.
Protein change: p.Gly485Ala; replaces glycine 485 with alanine.
Molecular consequence: missense variant.
Genome position (GRCh38, 1-based): chr17:50,194,728, C>G on the plus strand (G>C on the coding strand, the complement: COL1A1 is on the minus strand). VCF-style: chr17-50194728-C-G. GRCh37 (hg19) VCF-style: chr17-48272089-C-G.
Other names: short protein forms G485A.
Identifiers: ClinVar variation 863945 (VCV000863945.10), dbSNP rs1907418203, ClinGen allele CA400217616.
Genomic context (GRCh38, chr17:50,194,728, plus strand): 5'-GCACCAGCCAGGCAATGAGGGTGGAGCGGGAGGGGGCGGGCAGGGACACTTACACGCTCG[C>G]CAGGGGGTCCGGGCAGGCCAGTGGGTCCGGGTTCACCTCGAGCTCCTCGCTTTCCTTCCT-3'
Protein context (NP_000079.2, residues 475-495): PGPTGLPGPP[Gly485Ala]ERGGPGSRGF